The following is an entry in ClinVar:

NM_024876.4(COQ8B):c.1493C>A (p.Ala498Asp)

Gene: COQ8B (coenzyme Q8B; minus strand). Cytogenetic location: 19q13.2.
Variant type: single nucleotide variant.
Coding change: c.1493C>A on transcript NM_024876.4 (MANE Select); coding-DNA position 1493, C replaced by A.
Protein change: p.Ala498Asp; replaces alanine 498 with aspartic acid.
Molecular consequence: missense variant.
Genome position (GRCh38, 1-based): chr19:40,692,177, G>T on the plus strand (C>A on the coding strand, the complement: COQ8B is on the minus strand). VCF-style: chr19-40692177-G-T. GRCh37 (hg19) VCF-style: chr19-41198082-G-T.
Other names: c.1370C>A, p.Ala457Asp (NM_001142555.3); short protein forms A457D, A498D.
Identifiers: ClinVar variation 3778092 (VCV003778092.8).
Genomic context (GRCh38, chr19:40,692,177, plus strand): 5'-CGGTGGTAGGTGTCCTGGAAGAGGTCCCTGCAGGCGATGTGGGCTCGGAGGTGGGCACAG[G>T]CCAGGAAAGCCCCTGCCAGCTTGCGGTGCAGGGCATAGGTCTCCTCGGGTGGGGGACACA-3'
Protein context (NP_079152.3, residues 488-508): LHRKLAGAFL[Ala498Asp]CAHLRAHIAC

ClinVar aggregate classification (germline): Conflicting classifications of pathogenicity. Review status: criteria provided, conflicting classifications (1 of 4 stars). 2 submissions from 2 submitters: Uncertain significance (1); Likely benign (1). Last evaluated 2026-03-05.

Conditions:
Nephrotic syndrome, type 9 (NPHS9). Identifiers: Orphanet 656, MedGen C3809965, MONDO:0014257, OMIM 615573.

gnomAD v4.1: 92 of 1,595,458 alleles (0.0058%); highest among the groups gnomAD compares: Middle Eastern, 0.083%; no homozygotes.

Submissions (2):

Centre for Medical Genetics,  Mumbai
Classification: Likely benign for Nephrotic syndrome, type 9. Last evaluated: 2026-03-05. Review status: criteria provided, single submitter. Criteria: ACMG Guidelines, 2015. Collection method: provider interpretation. Allele origin: germline. Inheritance: Autosomal recessive inheritance. Affected: no. Observed: 1 variant allele, 1 homozygote.
Comment: The variant satisfies PM2 criteria; Extremely low frequency in gnomAD population databases. However, the variant satisfies BS2 criteria.

CeGaT Center for Human Genetics Tuebingen
Classification: Uncertain significance. Last evaluated: 2025-02-01. Review status: criteria provided, single submitter. Criteria: CeGaT Center For Human Genetics Tuebingen Variant Classification Criteria Version 2. Collection method: clinical testing. Allele origin: germline. Affected: yes. Observed: 1 variant allele.
Comment: COQ8B: PM2

Literature cited by the submitters: PubMed 24270420 (cited by Centre for Medical Genetics,  Mumbai).